The following is an entry in ClinVar:

ClinVar aggregate classification (germline): Uncertain significance. Review status: criteria provided, multiple submitters, no conflicts (2 of 4 stars). 2 submissions from 2 submitters: Uncertain significance (2). Last evaluated 2024-02-11.

Conditions:
Usher syndrome type 3B. Also called: USHER SYNDROME, TYPE IIIB. Identifiers: MedGen C3281066, MONDO:0013788, OMIM 614504.

Submissions (2):

Labcorp Genetics (formerly Invitae), Labcorp
Classification: Uncertain significance for Usher syndrome type 3B. Last evaluated: 2024-02-11. Review status: criteria provided, single submitter. Criteria: Invitae Variant Classification Sherloc (09022015). Collection method: clinical testing. Allele origin: germline.
Comment: This sequence change replaces threonine, which is neutral and polar, with alanine, which is neutral and non-polar, at codon 94 of the HARS protein (p.Thr94Ala). This variant is not present in population databases (gnomAD no frequency). This variant has not been reported in the literature in individuals affected with HARS-related conditions. ClinVar contains an entry for this variant (Variation ID: 2230829). Advanced modeling of protein sequence and biophysical properties (such as structural, functional, and spatial information, amino acid conservation, physicochemical variation, residue mobility, and thermodynamic stability) performed at Invitae indicates that this missense variant is expected to disrupt HARS protein function with a positive predictive value of 80%. In summary, the available evidence is currently insufficient to determine the role of this variant in disease. Therefore, it has been classified as a Variant of Uncertain Significance.

Ambry Genetics
Classification: Uncertain significance. Last evaluated: 2021-05-16. Review status: criteria provided, single submitter. Criteria: Ambry Variant Classification Scheme 2023. Collection method: clinical testing. Allele origin: germline.

NM_002109.6(HARS1):c.280A>G (p.Thr94Ala)

Gene: HARS1 (histidyl-tRNA synthetase 1; minus strand). Cytogenetic location: 5q31.3.
Variant type: single nucleotide variant.
Coding change: c.280A>G on transcript NM_002109.6 (MANE Select); coding-DNA position 280, A replaced by G.
Protein change: p.Thr94Ala; replaces threonine 94 with alanine.
Molecular consequence: missense variant. On other transcripts: intron variant (3).
Genome position (GRCh38, 1-based): chr5:140,683,120, T>C on the plus strand (A>G on the coding strand, the complement: HARS1 is on the minus strand). VCF-style: chr5-140683120-T-C. GRCh37 (hg19) VCF-style: chr5-140062705-T-C.
Other names: c.280A>G, p.Thr94Ala (NM_001258041.3, NM_001289092.2); c.193A>G, p.Thr65Ala (NM_001289094.2); c.181-5105A>G (NM_001289093.2); c.181-3237A>G (NM_001258042.3, NM_001258040.3); short protein forms T65A, T94A.
Identifiers: ClinVar variation 2230829 (VCV002230829.5), dbSNP rs2481290735, ClinGen allele CA361258945.